The following is an entry in ClinVar:

ClinVar aggregate classification (germline): Conflicting classifications of pathogenicity. Review status: criteria provided, conflicting classifications (1 of 4 stars). 5 submissions from 5 submitters: Uncertain significance (4); Likely benign (1). Last evaluated 2026-01-05.

Conditions:
HYPERHOMOCYSTEINEMIA, THROMBOTIC, CBS-RELATED. Identifiers: MedGen C3150344, OMIM 236200.
Familial thoracic aortic aneurysm and aortic dissection (TAAD). Also called: Thoracic aortic aneurysms and dissections. Identifiers: Orphanet 91387, MedGen C4707243, MONDO:0019625.

Allele frequency attached by ClinVar (database versions not stated): gnomAD 0.00006; gnomAD exomes 0.00009; ExAC 0.00013.

Submissions (5):

Labcorp Genetics (formerly Invitae), Labcorp
Classification: Uncertain significance for HYPERHOMOCYSTEINEMIA, THROMBOTIC, CBS-RELATED. Last evaluated: 2026-01-05. Review status: criteria provided, single submitter. Criteria: Invitae Variant Classification Sherloc (09022015). Collection method: clinical testing. Allele origin: germline.
Comment: This sequence change falls in intron 11 of the CBS gene. It does not directly change the encoded amino acid sequence of the CBS protein. It affects a nucleotide within the consensus splice site. This variant is present in population databases (rs747384273, gnomAD 0.03%). This variant has not been reported in the literature in individuals affected with CBS-related conditions. ClinVar contains an entry for this variant (Variation ID: 385169). Variants that disrupt the consensus splice site are a relatively common cause of aberrant splicing (PMID: 17576681, 9536098). Algorithms developed to predict the effect of sequence changes on RNA splicing suggest that this variant is not likely to affect RNA splicing. In summary, the available evidence is currently insufficient to determine the role of this variant in disease. Therefore, it has been classified as a Variant of Uncertain Significance.

CeGaT Center for Human Genetics Tuebingen
Classification: Uncertain significance. Last evaluated: 2025-10-01. Review status: criteria provided, single submitter. Criteria: CeGaT Center For Human Genetics Tuebingen Variant Classification Criteria Version 2. Collection method: clinical testing. Allele origin: germline. Affected: yes. Observed: 1 variant allele.
Comment: CBS: PM2, BP4

Ambry Genetics
Classification: Uncertain significance for Familial thoracic aortic aneurysm and aortic dissection. Last evaluated: 2025-03-11. Review status: criteria provided, single submitter. Criteria: Ambry Variant Classification Scheme 2023. Collection method: clinical testing. Allele origin: germline.
Comment: The c.1039+3G>A intronic variant results from a G to A substitution 3 nucleotides after coding exon 9 in the CBS gene. This nucleotide position is not well conserved in available vertebrate species. In silico splice site analysis predicts that this alteration will not have any significant effect on splicing. Since supporting evidence is limited at this time, the clinical significance of this alteration remains unclear.

Women's Health and Genetics/Laboratory Corporation of America, LabCorp
Classification: Uncertain significance. Last evaluated: 2024-05-28. Review status: criteria provided, single submitter. Criteria: LabCorp Variant Classification Summary - May 2015. Collection method: clinical testing. Allele origin: germline.
Comment: Variant summary: CBS c.1039+3G>A alters a conserved nucleotide located close to a canonical splice site and therefore could affect mRNA splicing, leading to a significantly altered protein sequence. Consensus agreement among computation tools predict no significant impact on normal splicing. However, these predictions have yet to be confirmed by functional studies. The variant allele was found at a frequency of 8.8e-05 in 248626 control chromosomes. This frequency is not significantly higher than estimated for a pathogenic variant in CBS causing Homocystinuria (8.8e-05 vs 0.003), allowing no conclusion about variant significance. To our knowledge, no occurrence of c.1039+3G>A in individuals affected with Homocystinuria and no experimental evidence demonstrating its impact on protein function have been reported. ClinVar contains an entry for this variant (Variation ID: 385169). Based on the evidence outlined above, the variant was classified as uncertain significance.

GeneDx
Classification: Likely benign. Last evaluated: 2019-01-28. Review status: criteria provided, single submitter. Criteria: GeneDx Variant Classification Process June 2021. Collection method: clinical testing. Allele origin: germline. Affected: yes.

Literature cited by the submitters: PubMed 17576681 (cited by Labcorp Genetics (formerly Invitae), Labcorp); PubMed 9536098 (cited by Labcorp Genetics (formerly Invitae), Labcorp).

NM_000071.3(CBS):c.1039+3G>A

Gene: CBS (cystathionine beta-synthase; minus strand). Cytogenetic location: 21q22.3.
Variant type: single nucleotide variant.
Coding change: c.1039+3G>A on transcript NM_000071.3 (MANE Select); 3 bases into the intron after coding-DNA position 1039, G replaced by A.
Molecular consequence: intron variant.
Genome position (GRCh38, 1-based): chr21:43,062,308, C>T on the plus strand (G>A on the coding strand, the complement: CBS is on the minus strand). VCF-style: chr21-43062308-C-T. GRCh37 (hg19) VCF-style: chr21-44482418-C-T.
Other names: c.1039+3G>A (NM_001320298.2, NM_001178009.3, NM_001178008.3); c.724+3G>A (NM_001321072.1).
Identifiers: ClinVar variation 385169 (VCV000385169.19), dbSNP rs747384273, ClinGen allele CA16608522.
Genomic context (GRCh38, chr21:43,062,308, plus strand): 5'-CATCCCCAGTGCCCCCTAGCCATCTCTGCCTTCCCCATACCCCCGTGCCCGCCACCCACT[C>T]ACCGCACAGCAGCCCCTCTTGCGCGATCAGCATGCGGGCAAAGGTGAACGCCTCCTCATC-3'